The following is an entry in ClinVar:

GRCh37/hg19 22q11.21(chr22:20311903-21465659)x1

Genes: AIFM3 (AIF family member 3; plus strand), CRKL (CRK like proto-oncogene, adaptor protein; plus strand), FAM230A (family with sequence similarity 230 member A; plus strand), GGTLC3 (gamma-glutamyltransferase light chain family member 3; minus strand), KLHL22 (kelch like family member 22; minus strand) and 13 more. Cytogenetic location: 22q11.21.
Variant type: copy number loss.
Change: copy number 1 (one copy instead of two) of chr22:20,311,903-21,465,659 (1.15 Mb, GRCh37 coordinates, 1-based), cytogenetic band 22q11.21.
Identifiers: ClinVar variation 565015 (VCV000565015.3).

ClinVar aggregate classification (germline): Pathogenic (0 of 4 stars; one submission).

Submission:

Quest Diagnostics Nichols Institute San Juan Capistrano
Classification: Pathogenic. Last evaluated: 2021-05-01. Review status: no assertion criteria provided. Collection method: clinical testing. Allele origin: germline.
Comment: This deletion interval is associated with 22q11.2 central deletion syndrome (LCR22 B-D) and is expected to cause phenotypic and/or developmental abnormalities. The phenotype exhibits reduced penetrance and variable expressivity. Clinical features may include: growth restriction, developmental delay, intellectual disability, dysmorphic features, cardiovascular defects, psychiatric/behavioral problems, and genitourinary anomalies (Burnside RD, Cytogenet Genome Res. 2015;146(2):89-99. PMID: 26278718;Rump et al., Am J Med Genet A. 2014 Nov;164A(11):2707-23. PMID: 25123976). Abnormal dentition was also reported (Dideum et al., Clin Case Rep. 2020 Oct 18;8(12):3297-3302. PMID: 33363922). Haploinsufficiency of the CRKL gene is suggested as the etiology of cardiovascular and genitourinary defects (Racedo S, et al., Am J Hum Genet. 2015 Feb 5;96(2):235-44. PMID: 25658046; Lopez-Rivera et al., N Engl J Med. 2017 Feb23;376(8):742-754. PMID: 28121514).